The following is an entry in ClinVar:

NM_000095.3(COMP):c.1394G>A (p.Gly465Asp)

Gene: COMP (cartilage oligomeric matrix protein; minus strand). Cytogenetic location: 19p13.11.
Variant type: single nucleotide variant.
Coding change: c.1394G>A on transcript NM_000095.3 (MANE Select); coding-DNA position 1394, G replaced by A.
Protein change: p.Gly465Asp; replaces glycine 465 with aspartic acid.
Molecular consequence: missense variant.
Genome position (GRCh38, 1-based): chr19:18,786,060, C>T on the plus strand (G>A on the coding strand, the complement: COMP is on the minus strand). VCF-style: chr19-18786060-C-T. GRCh37 (hg19) VCF-style: chr19-18896870-C-T.
Other names: short protein forms G465D.
Identifiers: ClinVar variation 4874132 (VCV004874132.2).

ClinVar aggregate classification (germline): Likely pathogenic (1 of 4 stars; one submission).

Submission:

CeGaT Center for Human Genetics Tuebingen
Classification: Likely pathogenic. Last evaluated: 2026-04-01. Review status: criteria provided, single submitter. Criteria: CeGaT Center For Human Genetics Tuebingen Variant Classification Criteria Version 2. Collection method: clinical testing. Allele origin: germline. Affected: yes. Observed: 1 variant allele.
Comment: COMP: PM1, PM2, PM5, PS4:Supporting